The following is an entry in ClinVar:

ClinVar aggregate classification (germline): Uncertain significance (1 of 4 stars; one submission).

Conditions:
Fanconi anemia (FA). Also called: Fanconi's anemia. Identifiers: Orphanet 84, MedGen C0015625, MeSH D005199, MONDO:0019391.

Allele frequency attached by ClinVar (database versions not stated): gnomAD exomes below 0.00001.
gnomAD v4.1: 2 of 1,613,910 alleles (0.00012%); highest among the groups gnomAD compares: African/African-American, 0.0027%; no homozygotes.

Submission:

Labcorp Genetics (formerly Invitae), Labcorp
Classification: Uncertain significance for Fanconi anemia. Last evaluated: 2021-09-10. Review status: criteria provided, single submitter. Criteria: Invitae Variant Classification Sherloc (09022015). Collection method: clinical testing. Allele origin: germline.
Comment: This sequence change replaces leucine with arginine at codon 782 of the FANCA protein (p.Leu782Arg). The leucine residue is moderately conserved and there is a moderate physicochemical difference between leucine and arginine. This variant is not present in population databases (ExAC no frequency). This variant has not been reported in the literature in individuals affected with FANCA-related conditions. Algorithms developed to predict the effect of missense changes on protein structure and function are either unavailable or do not agree on the potential impact of this missense change (SIFT: "Deleterious"; PolyPhen-2: "Possibly Damaging"; Align-GVGD: "Class C0"). In summary, the available evidence is currently insufficient to determine the role of this variant in disease. Therefore, it has been classified as a Variant of Uncertain Significance.

NM_000135.4(FANCA):c.2345T>G (p.Leu782Arg)

Gene: FANCA (FA complementation group A; minus strand). Cytogenetic location: 16q24.3.
Variant type: single nucleotide variant.
Coding change: c.2345T>G on transcript NM_000135.4 (MANE Select); coding-DNA position 2345, T replaced by G.
Protein change: p.Leu782Arg; replaces leucine 782 with arginine.
Molecular consequence: missense variant.
Genome position (GRCh38, 1-based): chr16:89,769,996, A>C on the plus strand (T>G on the coding strand, the complement: FANCA is on the minus strand). VCF-style: chr16-89769996-A-C. GRCh37 (hg19) VCF-style: chr16-89836404-A-C.
Other names: c.2345T>G, p.Leu782Arg (NM_001286167.3); short protein forms L782R.
Identifiers: ClinVar variation 839232 (VCV000839232.7), dbSNP rs747315724, ClinGen allele CA397444417.